The following is an entry in ClinVar:

NM_006939.4(SOS2):c.133_136del (p.Leu45fs)

Gene: SOS2 (SOS Ras/Rho guanine nucleotide exchange factor 2; minus strand). Cytogenetic location: 14q21.3.
Variant type: Microsatellite.
Coding change: c.133_136del on transcript NM_006939.4 (MANE Select); coding-DNA positions 133 to 136, 4 bases deleted (CTCT; older notation c.133_136delCTCT).
Protein change: p.Leu45fs; shifts the reading frame from leucine 45.
Molecular consequence: frameshift variant.
Genome position (GRCh38, 1-based): chr14:50,204,361-50,204,364, AGAG deleted on the plus strand (CTCT on the coding strand, the reverse complement: SOS2 is on the minus strand); deleting any 4 consecutive bases within chr14:50,204,361-50,204,367 gives the same sequence; the c. name uses the placement nearest the transcript's 3' end. VCF-style (leftmost placement, unchanged base first): chr14-50204360-TAGAG-T. GRCh37 (hg19) VCF-style: chr14-50671078-TAGAG-T.
Other names: short protein forms L45fs.
Identifiers: ClinVar variation 1015118 (VCV001015118.7), dbSNP rs764257310, ClinGen allele CA7177604.

ClinVar aggregate classification (germline): Uncertain significance (1 of 4 stars; one submission).

Conditions:
Noonan syndrome 9 (NS9). Identifiers: Orphanet 648, MedGen C4225282, MONDO:0014691, OMIM 616559.

Submission:

Labcorp Genetics (formerly Invitae), Labcorp
Classification: Uncertain significance for Noonan syndrome 9. Last evaluated: 2024-09-14. Review status: criteria provided, single submitter. Criteria: Invitae Variant Classification Sherloc (09022015). Collection method: clinical testing. Allele origin: germline.
Comment: This sequence change creates a premature translational stop signal (p.Leu45Ilefs*6) in the SOS2 gene. It is expected to result in an absent or disrupted protein product. However, the current clinical and genetic evidence is not sufficient to establish whether loss-of-function variants in SOS2 cause disease. This variant is present in population databases (rs764257310, gnomAD 0.01%). This premature translational stop signal has been observed in individual(s) with atrial fibrillation (PMID: 34495297). In summary, the available evidence is currently insufficient to determine the role of this variant in disease. Therefore, it has been classified as a Variant of Uncertain Significance.

Literature cited by the submitters: PubMed 34495297.